The following is an entry in ClinVar:

ClinVar aggregate classification (germline): Uncertain significance (1 of 4 stars; one submission).

Conditions:
Neurodevelopmental disorder with cardiomyopathy, spasticity, and brain abnormalities. Identifiers: MedGen C5436848, MONDO:0030866, OMIM 619121.

gnomAD v4.1: 16 of 1,596,454 alleles (0.001%); highest among the groups gnomAD compares: Admixed American, 0.012%; no homozygotes.

Submission:

3billion
Classification: Uncertain significance for Neurodevelopmental disorder with cardiomyopathy, spasticity, and brain abnormalities. Last evaluated: 2024-08-05. Review status: criteria provided, single submitter. Criteria: ACMG Guidelines, 2015. Collection method: clinical testing. Allele origin: germline. Affected: yes.
Comment: The variant is observed at an extremely low frequency in the gnomAD v4.0.0 dataset (total allele frequency: 0.001%). Predicted Consequence/Location: Intron variant In silico tools predict the variant to alter splicing and produce an abnormal transcript [SpliceAI: 0.43 (>=0.2, moderate evidence for spliceogenicity)]. Therefore, this variant is classified as VUS according to the recommendation of ACMG/AMP guideline.

NM_005412.6(SHMT2):c.857+19G>A

Gene: SHMT2 (serine hydroxymethyltransferase 2; plus strand). Cytogenetic location: 12q13.3.
Variant type: single nucleotide variant.
Coding change: c.857+19G>A on transcript NM_005412.6 (MANE Select); 19 bases into the intron after coding-DNA position 857, G replaced by A.
Molecular consequence: intron variant.
Genome position (GRCh38, 1-based): chr12:57,232,862, G>A. VCF-style: chr12-57232862-G-A. GRCh37 (hg19) VCF-style: chr12-57626645-G-A.
Other names: c.827+19G>A (NM_001166356.2); c.794+19G>A (NM_001166358.2, NM_001166359.1, NM_001166357.1).
Identifiers: ClinVar variation 4293883 (VCV004293883.1).